The following is an entry in ClinVar:

NM_002334.4(LRP4):c.548-18C>G

Gene: LRP4 (LDL receptor related protein 4; minus strand). Cytogenetic location: 11p11.2.
Variant type: single nucleotide variant.
Coding change: c.548-18C>G on transcript NM_002334.4 (MANE Select); 18 bases into the intron before coding-DNA position 548, C replaced by G.
Molecular consequence: intron variant.
Genome position (GRCh38, 1-based): chr11:46,899,050, G>C on the plus strand (C>G on the coding strand, the complement: LRP4 is on the minus strand). VCF-style: chr11-46899050-G-C. GRCh37 (hg19) VCF-style: chr11-46920601-G-C.
Identifiers: ClinVar variation 1510996 (VCV001510996.5), dbSNP rs779705585, ClinGen allele CA5970457.

ClinVar aggregate classification (germline): Uncertain significance. Review status: criteria provided, multiple submitters, no conflicts (2 of 4 stars). 2 submissions from 2 submitters: Uncertain significance (2). Last evaluated 2024-04-05.

Conditions:
Congenital myasthenic syndrome 17. Identifiers: Orphanet 590, MedGen C4225377, MONDO:0014578, OMIM 616304.
Sclerosteosis 2 (SOST2). Identifiers: Orphanet 3152, MedGen C3280402, MONDO:0013679, OMIM 614305.
Cenani-Lenz syndactyly syndrome. Also called: SYNDACTYLY, TYPE VII; CENANI SYNDACTYLISM. Identifiers: Orphanet 3258, MedGen C1859309, MONDO:0008931, OMIM 212780.

Allele frequency attached by ClinVar (database versions not stated): ExAC 0.00002.
gnomAD v4.1: 8 of 1,607,424 alleles (0.0005%); highest among the groups gnomAD compares: Admixed American, 0.013%; no homozygotes.

Submissions (2):

Fulgent Genetics
Classification: Uncertain significance for Cenani-Lenz syndactyly syndrome; Sclerosteosis 2; Congenital myasthenic syndrome 17. Last evaluated: 2024-04-05. Review status: criteria provided, single submitter. Criteria: ACMG Guidelines, 2015. Collection method: clinical testing. Allele origin: germline.

Labcorp Genetics (formerly Invitae), Labcorp
Classification: Uncertain significance for Cenani-Lenz syndactyly syndrome; Sclerosteosis 2; Congenital myasthenic syndrome 17. Last evaluated: 2023-10-13. Review status: criteria provided, single submitter. Criteria: Invitae Variant Classification Sherloc (09022015). Collection method: clinical testing. Allele origin: germline.
Comment: This sequence change falls in intron 5 of the LRP4 gene. It does not directly change the encoded amino acid sequence of the LRP4 protein. This variant is present in population databases (rs779705585, gnomAD 0.02%). This variant has not been reported in the literature in individuals affected with LRP4-related conditions. ClinVar contains an entry for this variant (Variation ID: 1510996). Algorithms developed to predict the effect of sequence changes on RNA splicing suggest that this variant may create or strengthen a splice site. In summary, the available evidence is currently insufficient to determine the role of this variant in disease. Therefore, it has been classified as a Variant of Uncertain Significance.